The following is an entry in ClinVar:

ClinVar aggregate classification (germline): Uncertain significance (1 of 4 stars; one submission).

Allele frequency attached by ClinVar (database versions not stated): gnomAD exomes below 0.00001; gnomAD 0.00001.
gnomAD v4.1: 4 of 1,567,510 alleles (0.00026%); highest among the groups gnomAD compares: South Asian, 0.0024%; no homozygotes.

Submission:

Labcorp Genetics (formerly Invitae), Labcorp
Classification: Uncertain significance. Last evaluated: 2023-11-27. Review status: criteria provided, single submitter. Criteria: Invitae Variant Classification Sherloc (09022015). Collection method: clinical testing. Allele origin: germline.
Comment: This sequence change replaces proline, which is neutral and non-polar, with serine, which is neutral and polar, at codon 2823 of the CPLANE1 protein (p.Pro2823Ser). This variant is not present in population databases (gnomAD no frequency). This variant has not been reported in the literature in individuals affected with CPLANE1-related conditions. ClinVar contains an entry for this variant (Variation ID: 1521889). Advanced modeling of protein sequence and biophysical properties (such as structural, functional, and spatial information, amino acid conservation, physicochemical variation, residue mobility, and thermodynamic stability) performed at Invitae indicates that this missense variant is not expected to disrupt CPLANE1 protein function with a negative predictive value of 95%. In summary, the available evidence is currently insufficient to determine the role of this variant in disease. Therefore, it has been classified as a Variant of Uncertain Significance.

NM_001384732.1(CPLANE1):c.8629C>T (p.Pro2877Ser)

Gene: CPLANE1 (ciliogenesis and planar polarity effector complex subunit 1; minus strand). Cytogenetic location: 5p13.2.
Variant type: single nucleotide variant.
Coding change: c.8629C>T on transcript NM_001384732.1 (MANE Select); coding-DNA position 8629, C replaced by T.
Protein change: p.Pro2877Ser; replaces proline 2877 with serine.
Molecular consequence: missense variant.
Genome position (GRCh38, 1-based): chr5:37,142,313, G>A on the plus strand (C>T on the coding strand, the complement: CPLANE1 is on the minus strand). VCF-style: chr5-37142313-G-A. GRCh37 (hg19) VCF-style: chr5-37142415-G-A.
Other names: c.8467C>T, p.Pro2823Ser (NM_023073.4); short protein forms P2877S, P2823S.
Identifiers: ClinVar variation 1521889 (VCV001521889.6), dbSNP rs1770008963, ClinGen allele CA359472529.